The following is an entry in ClinVar:

NM_001267550.2(TTN):c.31708_31711del (p.Glu10570fs)

Gene: TTN (titin; minus strand). Cytogenetic location: 2q31.2.
Variant type: Deletion.
Coding change: c.31708_31711del on transcript NM_001267550.2 (MANE Select); coding-DNA positions 31708 to 31711, 4 bases deleted (GAGG; older notation c.31708_31711delGAGG).
Protein change: p.Glu10570fs; shifts the reading frame from glutamic acid 10570.
Molecular consequence: frameshift variant. On other transcripts: intron variant (3).
Genome position (GRCh38, 1-based): chr2:178,692,067-178,692,070, CCTC deleted on the plus strand (GAGG on the coding strand, the reverse complement: TTN is on the minus strand). VCF-style (leftmost placement, unchanged base first): chr2-178692066-TCCTC-T. GRCh37 (hg19) VCF-style: chr2-179556793-TCCTC-T.
Other names: c.30757_30760del, p.Glu10253fs (NM_001256850.1); c.27976_27979del, p.Glu9326fs (NM_133378.4); c.13282+46012_13282+46015del (NM_003319.4); c.13858+46012_13858+46015del (NM_133437.4); c.13657+46012_13657+46015del (NM_133432.3); short protein forms E10253fs, E10570fs, E9326fs.
Identifiers: ClinVar variation 3376880 (VCV003376880.1).

ClinVar aggregate classification (germline): Pathogenic (1 of 4 stars; one submission).

Conditions:
Autosomal recessive titinopathy. Identifiers: MedGen CN315649, MONDO:0100493.

Submission:

Victorian Clinical Genetics Services, Murdoch Childrens Research Institute
Classification: Pathogenic for Autosomal recessive titinopathy. Last evaluated: 2024-09-20. Review status: criteria provided, single submitter. Criteria: ACMG Guidelines, 2015. Collection method: clinical testing. Allele origin: germline. Inheritance: Autosomal recessive inheritance. Affected: yes.
Comment: Based on the classification scheme VCGS_Germline_v1.3.4, this variant is classified as Pathogenic. Following criteria are met: 0102 - Loss of function is known mechanism of disease in this gene. In addition, dominant-negative is also a suggested mechanism. (PMID: 25589632). (I) 0108 - This gene is associated with both recessive and dominant disease (OMIM). (I) 0112 - The condition associated with this gene has incomplete penetrance. Variants in this gene that result in a premature termination codon (PTC) are known to have reduced penetrance in DCM (PMID: 25589632). (I) 0201 - Variant is predicted to cause nonsense-mediated decay (NMD) and loss of protein (premature termination codon is located at least 54 nucleotides upstream of the final exon-exon junction). (SP) 0219 - This variant is non-coding in an alternative transcript. This variant is coding in the meta-transcript (NM_001267550.1), cardiac long isoform (NM_001256850.1) and skeletal isoform NM_133378.4), but is not coding in other cardiac-specific transcripts including the cardiac short isoform (NM_003319.4) (CardioDB). (I) 0251 - This variant is heterozygous. (I) 0301 - Variant is absent from gnomAD (both v2 and v3). (SP) 0600 - Variant is located in the annotated I-band and has a PSI score of 54% (CardioDB). (I) 0701 - Other NMD-predicted variants comparable to the one identified in this case have very strong previous evidence for pathogenicity. Variants that affect the same TTN isoforms as the variant in this patient have been reported in multiple individuals with autosomal recessive congenital titinopathies (PMID: 29691892, 32778822). (SP) 0807 - This variant has no previous evidence of pathogenicity. (I) 0905 - No published segregation evidence has been identified for this variant. (I) 1007 - No published functional evidence has been identified for this variant. (I) Legend: (SP) - Supporting pathogenic, (I) - Information, (SB) - Supporting benign

Literature cited by the submitters: PubMed 25589632; PubMed 29691892; PubMed 32778822.